The following is an entry in ClinVar:

ClinVar aggregate classification (germline): Uncertain significance (1 of 4 stars; one submission).

Allele frequency attached by ClinVar (database versions not stated): gnomAD exomes below 0.00001; gnomAD 0.00001 and 0.00002; TOPMed 0.00001.

Submission:

Laboratory for Molecular Medicine, Mass General Brigham Personalized Medicine
Classification: Uncertain significance. Last evaluated: 2019-01-29. Review status: criteria provided, single submitter. Criteria: LMM Criteria. Collection method: clinical testing. Allele origin: germline. Observed: 1 variant allele.
Comment: The p.Asp509Asn variant in MYO15A has not been previously reported in individuals with hearing loss and was absent from large population studies. Computational prediction tools and conservation analysis suggest that this variant may not impact the protein, though this information is not predictive enough to rule out pathogenicity. In summary, the clinical significance of the p.Asp509Asn variant is uncertain. ACMG/AMP Criteria applied: PM2, BP4.

NM_016239.4(MYO15A):c.1525G>A (p.Asp509Asn)

Gene: MYO15A (myosin XVA; plus strand). Cytogenetic location: 17p11.2.
Variant type: single nucleotide variant.
Coding change: c.1525G>A on transcript NM_016239.4 (MANE Select); coding-DNA position 1525, G replaced by A.
Protein change: p.Asp509Asn; replaces aspartic acid 509 with asparagine.
Molecular consequence: missense variant.
Genome position (GRCh38, 1-based): chr17:18,120,325, G>A. VCF-style: chr17-18120325-G-A. GRCh37 (hg19) VCF-style: chr17-18023639-G-A.
Other names: short protein forms D509N.
Identifiers: ClinVar variation 666875 (VCV000666875.5), dbSNP rs1450338630, ClinGen allele CA398579513.